The following is an entry in ClinVar:

NM_138927.4(SON):c.3884C>A (p.Pro1295Gln)

Gene: SON (SON DNA and RNA binding protein; plus strand). Cytogenetic location: 21q22.11.
Variant type: single nucleotide variant.
Coding change: c.3884C>A on transcript NM_138927.4 (MANE Select); coding-DNA position 3884, C replaced by A.
Protein change: p.Pro1295Gln; replaces proline 1295 with glutamine.
Molecular consequence: missense variant. On other transcripts: non-coding transcript variant (1), intron variant (1).
Genome position (GRCh38, 1-based): chr21:33,553,115, C>A. VCF-style: chr21-33553115-C-A. GRCh37 (hg19) VCF-style: chr21-34925421-C-A.
Other names: c.3884C>A, p.Pro1295Gln (NM_032195.3, NM_001291411.2); c.245-4041C>A (NM_001291412.3); short protein forms P1295Q.
Identifiers: ClinVar variation 1687706 (VCV001687706.2), dbSNP rs1350925513, ClinGen allele CA410161116.

ClinVar aggregate classification (germline): Uncertain significance (1 of 4 stars; one submission).

Submission:

GeneDx
Classification: Uncertain significance. Last evaluated: 2022-05-23. Review status: criteria provided, single submitter. Criteria: GeneDx Variant Classification Process June 2021. Collection method: clinical testing. Allele origin: germline. Affected: yes.
Comment: Not observed at significant frequency in large population cohorts (gnomAD); In silico analysis supports that this missense variant does not alter protein structure/function; Has not been previously published as pathogenic or benign to our knowledge